The following is an entry in ClinVar:

ClinVar aggregate classification (germline): Uncertain significance. Review status: criteria provided, multiple submitters, no conflicts (2 of 4 stars). 2 submissions from 2 submitters: Uncertain significance (2). Last evaluated 2024-01-01.

Conditions:
Inborn genetic diseases. Identifiers: MedGen C0950123, MeSH D030342.

Allele frequency attached by ClinVar (database versions not stated): gnomAD exomes below 0.00001 and 0.00001; gnomAD 0.00003.

Submissions (2):

Ambry Genetics
Classification: Uncertain significance for Inborn genetic diseases. Last evaluated: 2024-01-01. Review status: criteria provided, single submitter. Criteria: Ambry Variant Classification Scheme 2023. Collection method: clinical testing. Allele origin: germline.
Comment: The p.P130S variant (also known as c.388C>T), located in coding exon 2 of the MIB1 gene, results from a C to T substitution at nucleotide position 388. The proline at codon 130 is replaced by serine, an amino acid with similar properties. This amino acid position is conserved. In addition, the in silico prediction for this alteration is inconclusive. Since supporting evidence is limited at this time, the clinical significance of this alteration remains unclear.

GeneDx
Classification: Uncertain significance. Last evaluated: 2019-11-06. Review status: criteria provided, single submitter. Criteria: GeneDx Variant Classification Process June 2021. Collection method: clinical testing. Allele origin: germline. Affected: yes.
Comment: Has not been previously published as pathogenic or benign to our knowledge; Not observed at a significant frequency in large population cohorts (Lek et al., 2016); In silico analysis, which includes protein predictors and evolutionary conservation, supports a deleterious effect

NM_020774.4(MIB1):c.388C>T (p.Pro130Ser)

Gene: MIB1 (MIB E3 ubiquitin protein ligase 1; plus strand). Cytogenetic location: 18q11.2.
Variant type: single nucleotide variant.
Coding change: c.388C>T on transcript NM_020774.4 (MANE Select); coding-DNA position 388, C replaced by T.
Protein change: p.Pro130Ser; replaces proline 130 with serine.
Molecular consequence: missense variant.
Genome position (GRCh38, 1-based): chr18:21,765,930, C>T. VCF-style: chr18-21765930-C-T. GRCh37 (hg19) VCF-style: chr18-19345891-C-T.
Other names: c.388C>T (NM_020774.2); short protein forms P130S.
Identifiers: ClinVar variation 1310092 (VCV001310092.3), dbSNP rs998773897, ClinGen allele CA297018760.